The following is an entry in ClinVar:

ClinVar aggregate classification (germline): not provided (0 of 4 stars; one submission).

Allele frequency attached by ClinVar (database versions not stated): gnomAD 0.00007; TOPMed 0.00009; gnomAD exomes 0.00016; ExAC 0.00017.
gnomAD v4.1: 88 of 1,614,080 alleles (0.0055%); highest among the groups gnomAD compares: Middle Eastern, 0.049%; 1 homozygote.

Submission:

Human Evolutionary Genetics, Institut Pasteur
No classification provided. Review status: no classification provided. Collection method: not provided. Allele origin: germline.
ClinVar note: Converted during submission from untested to not provided.

NM_176810.2(NLRP13):c.2037G>T (p.Lys679Asn)

Gene: NLRP13 (NLR family pyrin domain containing 13; minus strand). Cytogenetic location: 19q13.43.
Variant type: single nucleotide variant.
Coding change: c.2037G>T on transcript NM_176810.2 (MANE Select); coding-DNA position 2037, G replaced by T.
Protein change: p.Lys679Asn; replaces lysine 679 with asparagine.
Molecular consequence: missense variant.
Genome position (GRCh38, 1-based): chr19:55,911,780, C>A on the plus strand (G>T on the coding strand, the complement: NLRP13 is on the minus strand). VCF-style: chr19-55911780-C-A. GRCh37 (hg19) VCF-style: chr19-56423146-C-A.
Other names: c.2037G>T, p.Lys679Asn (NM_001321057.1); short protein forms K679N.
Identifiers: ClinVar variation 103305 (VCV000103305.2), dbSNP rs199475876, ClinGen allele CA230392.